The following is an entry in ClinVar:

ClinVar aggregate classification (germline): Uncertain significance (1 of 4 stars; one submission).

Conditions:
Immunodeficiency, common variable, 7. Identifiers: Orphanet 1572, Orphanet 696894, MedGen C3542922, MONDO:0013862, OMIM 614699.

Allele frequency attached by ClinVar (database versions not stated): gnomAD exomes 0.00001.
gnomAD v4.1: 3 of 1,613,878 alleles (0.00019%); highest among the groups gnomAD compares: Admixed American, 0.0033%; no homozygotes.

Submission:

Labcorp Genetics (formerly Invitae), Labcorp
Classification: Uncertain significance for Immunodeficiency, common variable, 7. Last evaluated: 2023-11-19. Review status: criteria provided, single submitter. Criteria: Invitae Variant Classification Sherloc (09022015). Collection method: clinical testing. Allele origin: germline.
Comment: This sequence change replaces histidine, which is basic and polar, with asparagine, which is neutral and polar, at codon 921 of the CR2 protein (p.His921Asn). This variant is present in population databases (no rsID available, gnomAD 0.003%). This variant has not been reported in the literature in individuals affected with CR2-related conditions. An algorithm developed to predict the effect of missense changes on protein structure and function (PolyPhen-2) suggests that this variant is likely to be disruptive. In summary, the available evidence is currently insufficient to determine the role of this variant in disease. Therefore, it has been classified as a Variant of Uncertain Significance.

NM_001006658.3(CR2):c.2761C>A (p.His921Asn)

Gene: CR2 (complement C3d receptor 2; plus strand). Cytogenetic location: 1q32.2.
Variant type: single nucleotide variant.
Coding change: c.2761C>A on transcript NM_001006658.3 (MANE Select); coding-DNA position 2761, C replaced by A.
Protein change: p.His921Asn; replaces histidine 921 with asparagine.
Molecular consequence: missense variant.
Genome position (GRCh38, 1-based): chr1:207,476,278, C>A. VCF-style: chr1-207476278-C-A. GRCh37 (hg19) VCF-style: chr1-207649623-C-A.
Other names: c.2584C>A, p.His862Asn (NM_001877.5); short protein forms H921N, H862N.
Identifiers: ClinVar variation 2999090 (VCV002999090.3), dbSNP rs1217318433, ClinGen allele CA344539870.
Genomic context (GRCh38, chr1:207,476,278, plus strand): 5'-CTTATTGGTGTCTAAGCCTTCATAGGGTGTCCACCTCCGCCTAAGACCCCTAACGGGAAC[C>A]ATACTGGTGGAAACATAGCTCGATTTTCTCCTGGAATGTCAATCCTGTACAGCTGTGACC-3'
Protein context (NP_001006659.1, residues 911-931): PPPPKTPNGN[His921Asn]TGGNIARFSP